The following is an entry in ClinVar:

ClinVar aggregate classification (germline): Likely benign. Review status: criteria provided, multiple submitters, no conflicts (2 of 4 stars). 2 submissions from 2 submitters: Likely benign (2). Last evaluated 2025-11-01.

Conditions:
Inborn genetic diseases. Identifiers: MedGen C0950123, MeSH D030342.

Allele frequency attached by ClinVar (database versions not stated): gnomAD exomes 0.00003; ExAC 0.00007; gnomAD 0.00037; ESP Exome Variant Server 0.00040; TOPMed 0.00045.

Submissions (2):

CeGaT Center for Human Genetics Tuebingen
Classification: Likely benign. Last evaluated: 2025-11-01. Review status: criteria provided, single submitter. Criteria: CeGaT Center For Human Genetics Tuebingen Variant Classification Criteria Version 2. Collection method: clinical testing. Allele origin: germline. Affected: yes. Observed: 1 variant allele.
Comment: RFX7: BP4, BS1

Ambry Genetics
Classification: Likely benign for Inborn genetic diseases. Last evaluated: 2024-02-27. Review status: criteria provided, single submitter. Criteria: Ambry Variant Classification Scheme 2023. Collection method: clinical testing. Allele origin: germline.

NM_022841.7(RFX7):c.1570T>C (p.Ser524Pro)

Gene: RFX7 (regulatory factor X7; minus strand). Cytogenetic location: 15q21.3.
Variant type: single nucleotide variant.
Coding change: c.1570T>C on transcript NM_022841.7 (MANE Select); coding-DNA position 1570, T replaced by C.
Protein change: p.Ser524Pro; replaces serine 524 with proline.
Molecular consequence: missense variant.
Genome position (GRCh38, 1-based): chr15:56,096,158, A>G on the plus strand (T>C on the coding strand, the complement: RFX7 is on the minus strand). VCF-style: chr15-56096158-A-G. GRCh37 (hg19) VCF-style: chr15-56388356-A-G.
Other names: c.1279T>C, p.Ser427Pro (NM_001368073.2, NM_001368074.1, NM_001370554.1); c.1570T>C, p.Ser524Pro (NM_001370561.1); short protein forms S524P, S427P.
Identifiers: ClinVar variation 3153502 (VCV003153502.7), dbSNP rs201181743, ClinGen allele CA7578280.